The following is an entry in ClinVar:

NM_001374736.1(DST):c.17108+105T>C

Gene: DST (dystonin; minus strand). Cytogenetic location: 6p12.1.
Variant type: single nucleotide variant.
Coding change: c.17108+105T>C on transcript NM_001374736.1 (MANE Select); 105 bases into the intron after coding-DNA position 17108, T replaced by C.
Molecular consequence: intron variant.
Genome position (GRCh38, 1-based): chr6:56,532,239, A>G on the plus strand (T>C on the coding strand, the complement: DST is on the minus strand). VCF-style: chr6-56532239-A-G. GRCh37 (hg19) VCF-style: chr6-56397037-A-G.
Other names: c.10751+105T>C (NM_001144769.5); c.17108+105T>C (NM_001374722.1); c.17135+105T>C (NM_001374734.1); c.10337+105T>C (NM_001144770.2); c.10217+105T>C (NM_001374730.1, NM_001386100.1, NM_183380.4); c.16475+105T>C (NM_001374729.1); c.9239+105T>C (NM_015548.5).
Identifiers: ClinVar variation 1700985 (VCV001700985.2), dbSNP rs145852983, ClinGen allele CA139191926.

ClinVar aggregate classification (germline): Likely benign (1 of 4 stars; one submission).

Allele frequency attached by ClinVar (database versions not stated): gnomAD exomes 0.00064; gnomAD 0.00575 and 0.00597; TOPMed 0.00623; 1000 Genomes Project 30x 0.00687; 1000 Genomes Project 0.00799.
gnomAD v4.1: 1,472 of 1,041,196 alleles (0.14%); highest among the groups gnomAD compares: African/African-American, 2%; 12 homozygotes.

Submission:

GeneDx
Classification: Likely benign. Last evaluated: 2022-01-23. Review status: criteria provided, single submitter. Criteria: GeneDx Variant Classification Process June 2021. Collection method: clinical testing. Allele origin: germline. Affected: yes.
Comment: See Variant Classification Assertion Criteria.